The following is an entry in ClinVar:

NM_053025.4(MYLK):c.215C>G (p.Pro72Arg)

Gene: MYLK (myosin light chain kinase; minus strand). Cytogenetic location: 3q21.1.
Variant type: single nucleotide variant.
Coding change: c.215C>G on transcript NM_053025.4 (MANE Select); coding-DNA position 215, C replaced by G.
Protein change: p.Pro72Arg; replaces proline 72 with arginine.
Molecular consequence: missense variant. On other transcripts: intron variant (1).
Genome position (GRCh38, 1-based): chr3:123,752,489, G>C on the plus strand (C>G on the coding strand, the complement: MYLK is on the minus strand). VCF-style: chr3-123752489-G-C. GRCh37 (hg19) VCF-style: chr3-123471336-G-C.
Other names: c.215C>G, p.Pro72Arg (NM_053026.4, NM_053027.4, NM_053028.4); c.-155-12488C>G (NM_001321309.2); short protein forms P72R.
Identifiers: ClinVar variation 2701857 (VCV002701857.3), dbSNP rs1048834570, ClinGen allele CA82953140.

ClinVar aggregate classification (germline): Uncertain significance (1 of 4 stars; one submission).

Conditions:
Aortic aneurysm, familial thoracic 7 (AAT7). Also called: AORTIC DISSECTION, FAMILIAL, WITH OR WITHOUT AORTIC ANEURYSM. Identifiers: MedGen C3151077, MONDO:0013418, OMIM 613780.

Allele frequency attached by ClinVar (database versions not stated): gnomAD exomes below 0.00001; gnomAD 0.00001; TOPMed 0.00001.
gnomAD v4.1: 4 of 1,613,978 alleles (0.00025%); highest among the groups gnomAD compares: Non-Finnish European, 0.00034%; no homozygotes.

Submission:

Labcorp Genetics (formerly Invitae), Labcorp
Classification: Uncertain significance for Aortic aneurysm, familial thoracic 7. Last evaluated: 2023-09-22. Review status: criteria provided, single submitter. Criteria: Invitae Variant Classification Sherloc (09022015). Collection method: clinical testing. Allele origin: germline.
Comment: This variant has not been reported in the literature in individuals affected with MYLK-related conditions. This sequence change replaces proline, which is neutral and non-polar, with arginine, which is basic and polar, at codon 72 of the MYLK protein (p.Pro72Arg). This variant is not present in population databases (gnomAD no frequency). Advanced modeling of protein sequence and biophysical properties (such as structural, functional, and spatial information, amino acid conservation, physicochemical variation, residue mobility, and thermodynamic stability) performed at Invitae indicates that this missense variant is not expected to disrupt MYLK protein function. In summary, the available evidence is currently insufficient to determine the role of this variant in disease. Therefore, it has been classified as a Variant of Uncertain Significance.